The following is an entry in ClinVar:

NM_006567.5(FARS2):c.462G>T (p.Ala154=)

Genes: FARS2 (phenylalanyl-tRNA synthetase 2, mitochondrial; plus strand), LOC126859565 (CDK7 strongly-dependent group 2 enhancer GRCh37_chr6:5368745-5369944; plus strand). Cytogenetic location: 6p25.1.
Variant type: single nucleotide variant.
Coding change: c.462G>T on transcript NM_006567.5 (MANE Select); coding-DNA position 462, G replaced by T.
Protein change: p.Ala154=; no amino-acid change (alanine 154 retained).
Molecular consequence: synonymous variant. On other transcripts: intron variant (2).
Genome position (GRCh38, 1-based): chr6:5,369,032, G>T. VCF-style: chr6-5369032-G-T. GRCh37 (hg19) VCF-style: chr6-5369265-G-T.
Other names: c.462G>T, p.Ala154= (NM_001318872.2, NM_001374875.1, NM_001374876.1 and 5 more transcripts); c.-340-27601G>T (NM_001375260.1); c.-84-35510G>T (NM_001375259.1).
Identifiers: ClinVar variation 380526 (VCV000380526.52), dbSNP rs150477330, ClinGen allele CA3623650.

ClinVar aggregate classification (germline): Benign/Likely benign. Review status: criteria provided, multiple submitters, no conflicts (2 of 4 stars). 6 submissions from 6 submitters: Benign (1); Likely benign (4). 1 of the submissions does not count toward it. Last evaluated 2026-01-24.

Conditions:
FARS2-related disorder. Also called: FARS2-related condition; FARS2-related disorders.
Combined oxidative phosphorylation defect type 14. Also called: Combined oxidative phosphorylation deficiency 14. Identifiers: Orphanet 319519, MedGen C4755312, MONDO:0013986, OMIM 614946.

Allele frequency attached by ClinVar (database versions not stated): gnomAD 0.00035; TOPMed 0.00048; ESP Exome Variant Server 0.00054; 1000 Genomes Project 30x 0.00094; 1000 Genomes Project 0.00100.
gnomAD v4.1: 758 of 1,613,988 alleles (0.047%); highest among the groups gnomAD compares: Admixed American, 0.1%; no homozygotes.

Submissions (6):

Labcorp Genetics (formerly Invitae), Labcorp
Classification: Likely benign for Combined oxidative phosphorylation defect type 14. Last evaluated: 2026-01-24. Review status: criteria provided, single submitter. Criteria: Invitae Variant Classification Sherloc (09022015). Collection method: clinical testing. Allele origin: germline.

CeGaT Center for Human Genetics Tuebingen
Classification: Likely benign. Last evaluated: 2025-11-01. Review status: criteria provided, single submitter. Criteria: CeGaT Center For Human Genetics Tuebingen Variant Classification Criteria Version 2. Collection method: clinical testing. Allele origin: germline. Affected: yes. Observed: 5 variant alleles.
Comment: FARS2: BP4, BP7

Blueprint Genetics
Classification: Likely benign. Last evaluated: 2024-11-13. Review status: criteria provided, single submitter. Criteria: ACMG Guidelines, 2015. Collection method: clinical testing. Allele origin: germline.

Wong Mito Lab, Molecular and Human Genetics, Baylor College of Medicine
Classification: Benign for Combined oxidative phosphorylation deficiency 14. Last evaluated: 2018-06-13. Review status: criteria provided, single submitter. Criteria: ACMG Guidelines, 2015. Collection method: clinical testing. Allele origin: germline.

GeneDx
Classification: Likely benign. Last evaluated: 2017-07-10. Review status: criteria provided, single submitter. Criteria: GeneDx Variant Classification (06012015). Collection method: clinical testing. Allele origin: germline. Affected: yes.
Comment: This variant is considered likely benign or benign based on one or more of the following criteria: it is a conservative change, it occurs at a poorly conserved position in the protein, it is predicted to be benign by multiple in silico algorithms, and/or has population frequency not consistent with disease.

PreventionGenetics, part of Exact Sciences
Classification: Likely benign for FARS2-related condition. Last evaluated: 2019-07-15. Review status: no assertion criteria provided. Collection method: clinical testing. Allele origin: germline. Not counted in ClinVar's aggregate classification.
Comment: This variant is classified as likely benign based on ACMG/AMP sequence variant interpretation guidelines (Richards et al. 2015 PMID: 25741868, with internal and published modifications).